The following is an entry in ClinVar:

NM_020949.3(SLC7A14):c.983C>G (p.Ala328Gly)

Genes: SLC7A14 (solute carrier family 7 member 14; minus strand), SLC7A14-AS1 (SLC7A14 antisense RNA 1; plus strand). Cytogenetic location: 3q26.2.
Variant type: single nucleotide variant.
Coding change: c.983C>G on transcript NM_020949.3 (MANE Select); coding-DNA position 983, C replaced by G.
Protein change: p.Ala328Gly; replaces alanine 328 with glycine.
Molecular consequence: missense variant.
Genome position (GRCh38, 1-based): chr3:170,483,446, G>C on the plus strand (C>G on the coding strand, the complement: SLC7A14 is on the minus strand). VCF-style: chr3-170483446-G-C. GRCh37 (hg19) VCF-style: chr3-170201235-G-C.
Other names: short protein forms A328G.
Identifiers: ClinVar variation 1001174 (VCV001001174.8), dbSNP rs146072018, ClinGen allele CA355492073.

ClinVar aggregate classification (germline): Uncertain significance (1 of 4 stars; one submission).

gnomAD v4.1: 2 of 1,614,220 alleles (0.00012%); highest among the groups gnomAD compares: Non-Finnish European, 0.00017%; no homozygotes.

Submission:

Labcorp Genetics (formerly Invitae), Labcorp
Classification: Uncertain significance. Last evaluated: 2023-10-03. Review status: criteria provided, single submitter. Criteria: Invitae Variant Classification Sherloc (09022015). Collection method: clinical testing. Allele origin: germline.
Comment: This sequence change replaces alanine, which is neutral and non-polar, with glycine, which is neutral and non-polar, at codon 328 of the SLC7A14 protein (p.Ala328Gly). This variant is not present in population databases (gnomAD no frequency). This variant has not been reported in the literature in individuals affected with SLC7A14-related conditions. ClinVar contains an entry for this variant (Variation ID: 1001174). An algorithm developed to predict the effect of missense changes on protein structure and function (PolyPhen-2) suggests that this variant is likely to be tolerated. In summary, the available evidence is currently insufficient to determine the role of this variant in disease. Therefore, it has been classified as a Variant of Uncertain Significance.